The following is an entry in ClinVar:

NM_001846.4(COL4A2):c.4276G>A (p.Gly1426Arg)

Genes: COL4A2 (collagen type IV alpha 2 chain; plus strand), COL4A2-AS1 (COL4A2 antisense RNA 1; minus strand). Cytogenetic location: 13q34.
Variant type: single nucleotide variant.
Coding change: c.4276G>A on transcript NM_001846.4 (MANE Select); coding-DNA position 4276, G replaced by A.
Protein change: p.Gly1426Arg; replaces glycine 1426 with arginine.
Molecular consequence: missense variant.
Genome position (GRCh38, 1-based): chr13:110,503,984, G>A. VCF-style: chr13-110503984-G-A. GRCh37 (hg19) VCF-style: chr13-111156331-G-A.
Other names: c.4276G>A (NM_001846.2); short protein forms G1426R.
Identifiers: ClinVar variation 1334687 (VCV001334687.6), dbSNP rs2139553655, ClinGen allele CA388737898.

ClinVar aggregate classification (germline): Conflicting classifications of pathogenicity. Review status: criteria provided, conflicting classifications (1 of 4 stars). 2 submissions from 2 submitters: Likely pathogenic (1); Uncertain significance (1). Last evaluated 2026-02-24.

Allele frequency attached by ClinVar (database versions not stated): gnomAD exomes below 0.00001.
gnomAD v4.1: 2 of 1,557,416 alleles (0.00013%); highest among the groups gnomAD compares: Middle Eastern, 0.019%; no homozygotes.

Submissions (2):

GeneDx
Classification: Likely pathogenic. Last evaluated: 2026-02-24. Review status: criteria provided, single submitter. Criteria: GeneDx Variant Classification Process June 2021. Collection method: clinical testing. Allele origin: germline.
Comment: Not observed at significant frequency in large population cohorts (gnomAD); In silico analysis supports that this missense variant has a deleterious effect on protein structure/function; Has not been previously published as pathogenic or benign to our knowledge; This variant is associated with the following publications: (PMID: 27794444)

Greenwood Genetic Center Diagnostic Laboratories, Greenwood Genetic Center
Classification: Uncertain significance. Last evaluated: 2021-12-01. Review status: criteria provided, single submitter. Criteria: ACMG Guidelines, 2015. Collection method: clinical testing. Allele origin: germline. Affected: yes.
Comment: PP3, PM1, PM2